The following is an entry in ClinVar:

ClinVar aggregate classification (germline): Uncertain significance (1 of 4 stars; one submission).

Allele frequency attached by ClinVar (database versions not stated): ExAC 0.00001; gnomAD 0.00001; gnomAD exomes 0.00001.
gnomAD v4.1: 17 of 1,611,128 alleles (0.0011%); highest among the groups gnomAD compares: East Asian, 0.0045%; no homozygotes.

Submission:

Labcorp Genetics (formerly Invitae), Labcorp
Classification: Uncertain significance. Last evaluated: 2022-07-19. Review status: criteria provided, single submitter. Criteria: Invitae Variant Classification Sherloc (09022015). Collection method: clinical testing. Allele origin: germline.
Comment: In summary, the available evidence is currently insufficient to determine the role of this variant in disease. Therefore, it has been classified as a Variant of Uncertain Significance. Advanced modeling of protein sequence and biophysical properties (such as structural, functional, and spatial information, amino acid conservation, physicochemical variation, residue mobility, and thermodynamic stability) performed at Invitae indicates that this missense variant is not expected to disrupt ROBO2 protein function. This variant has not been reported in the literature in individuals affected with ROBO2-related conditions. This variant is present in population databases (rs763574051, gnomAD 0.003%). This sequence change replaces arginine, which is basic and polar, with cysteine, which is neutral and slightly polar, at codon 184 of the ROBO2 protein (p.Arg184Cys).

NM_001395656.1(ROBO2):c.550C>T (p.Arg184Cys)

Gene: ROBO2 (roundabout guidance receptor 2; plus strand). Cytogenetic location: 3p12.3.
Variant type: single nucleotide variant.
Coding change: c.550C>T on transcript NM_001395656.1 (MANE Select); coding-DNA position 550, C replaced by T.
Protein change: p.Arg184Cys; replaces arginine 184 with cysteine.
Molecular consequence: missense variant. On other transcripts: 5 prime UTR variant (1).
Genome position (GRCh38, 1-based): chr3:77,481,102, C>T. VCF-style: chr3-77481102-C-T. GRCh37 (hg19) VCF-style: chr3-77530253-C-T.
Other names: c.598C>T, p.Arg200Cys (NM_001128929.3, NM_001378190.1, NM_001378191.1 and 5 more transcripts); c.550C>T, p.Arg184Cys (NM_001290039.2, NM_001290040.2, NM_001378193.1 and 3 more transcripts); c.-1369C>T (NM_001290065.2); c.619C>T, p.Arg207Cys (NM_001378192.1, NM_001378194.1, NM_001378198.1 and 5 more transcripts); short protein forms R200C, R207C, R184C.
Identifiers: ClinVar variation 2050479 (VCV002050479.4), dbSNP rs763574051, ClinGen allele CA2496762.